The following is an entry in ClinVar:

ClinVar aggregate classification (germline): Likely benign (0 of 4 stars; one submission).

Conditions:
HSF4-related disorder. Also called: HSF4-related condition.

Allele frequency attached by ClinVar (database versions not stated): ExAC 0.00001; TOPMed 0.00001.
gnomAD v4.1: 5 of 1,613,718 alleles (0.00031%); highest among the groups gnomAD compares: East Asian, 0.0022%; no homozygotes.

Submission:

PreventionGenetics, part of Exact Sciences
Classification: Likely benign for HSF4-related condition. Last evaluated: 2020-10-19. Review status: no assertion criteria provided. Collection method: clinical testing. Allele origin: germline.
Comment: This variant is classified as likely benign based on ACMG/AMP sequence variant interpretation guidelines (Richards et al. 2015 PMID: 25741868, with internal and published modifications).

NM_001374675.1(HSF4):c.1213C>A (p.Arg405=)

Gene: HSF4 (heat shock transcription factor 4; plus strand). Cytogenetic location: 16q22.1.
Variant type: single nucleotide variant.
Coding change: c.1213C>A on transcript NM_001374675.1 (MANE Select); coding-DNA position 1213, C replaced by A.
Protein change: p.Arg405=; no amino-acid change (arginine 405 retained).
Molecular consequence: synonymous variant.
Genome position (GRCh38, 1-based): chr16:67,169,060, C>A. VCF-style: chr16-67169060-C-A. GRCh37 (hg19) VCF-style: chr16-67202963-C-A.
Other names: c.1213C>A, p.Arg405= (NM_001040667.3); c.1123C>A, p.Arg375= (NM_001374674.1, NM_001538.4).
Identifiers: ClinVar variation 3032590 (VCV003032590.2), dbSNP rs761738142, ClinGen allele CA8102114.
Genomic context (GRCh38, chr16:67,169,060, plus strand): 5'-CTGGGGAGGGCACCACTGACCCAGAGCTCTCCTCAGGTGCTGGGCCCCAGTCTCCAAGGG[C>A]GAGAATGGACCCTGATGGACTTGGACATGGAGCTGTCCTTGGTAAGAAGTGGGTCGGGGA-3'
Protein context (NP_001361604.1, residues 395-415): LDVLGPSLQG[Arg405=]EWTLMDLDME